The following is an entry in ClinVar:

ClinVar aggregate classification (germline): Benign/Likely benign. Review status: criteria provided, multiple submitters, no conflicts (2 of 4 stars). 3 submissions from 3 submitters: Benign (1); Likely benign (2). Last evaluated 2026-03-30.

Conditions:
Hereditary cancer-predisposing syndrome. Also called: Neoplastic Syndromes, Hereditary; Hereditary neoplastic syndrome; Hereditary Cancer Syndrome; Tumor predisposition. Identifiers: Orphanet 140162, MedGen C0027672, MeSH D009386, MONDO:0015356.
Tuberous sclerosis 2 (TSC2). Identifiers: Orphanet 805, MedGen C1860707, MONDO:0013199, OMIM 613254.

Submissions (3):

Ambry Genetics
Classification: Likely benign for Hereditary cancer-predisposing syndrome. Last evaluated: 2026-03-30. Review status: criteria provided, single submitter. Criteria: Ambry Variant Classification Scheme 2023. Collection method: clinical testing. Allele origin: germline.

Myriad Genetics, Inc.
Classification: Benign for Tuberous sclerosis 2. Last evaluated: 2025-05-30. Review status: criteria provided, single submitter. Criteria: Myriad Autosomal Dominant, Autosomal Recessive and X-Linked Classification Criteria (2023). Collection method: clinical testing. Allele origin: unknown.
Comment: This variant is considered benign. This variant is a silent/synonymous amino acid change and it is not expected to impact splicing.

Labcorp Genetics (formerly Invitae), Labcorp
Classification: Likely benign for Tuberous sclerosis 2. Last evaluated: 2018-12-21. Review status: criteria provided, single submitter. Criteria: Invitae Variant Classification Sherloc (09022015). Collection method: clinical testing. Allele origin: germline.

NM_000548.5(TSC2):c.3807C>T (p.Ser1269=)

Gene: TSC2 (TSC complex subunit 2; plus strand). Cytogenetic location: 16p13.3.
Variant type: single nucleotide variant.
Coding change: c.3807C>T on transcript NM_000548.5 (MANE Select); coding-DNA position 3807, C replaced by T.
Protein change: p.Ser1269=; no amino-acid change (serine 1269 retained).
Molecular consequence: synonymous variant.
Genome position (GRCh38, 1-based): chr16:2,081,791, C>T. VCF-style: chr16-2081791-C-T. GRCh37 (hg19) VCF-style: chr16-2131792-C-T.
Other names: c.3675C>T, p.Ser1225= (NM_001077183.3, NM_001370404.1); c.3807C>T, p.Ser1269= (NM_001114382.3); c.3567C>T, p.Ser1189= (NM_001318827.2); c.3531C>T, p.Ser1177= (NM_001318829.2); c.3075C>T, p.Ser1025= (NM_001318831.2); c.3708C>T, p.Ser1236= (NM_001318832.2); c.3678C>T, p.Ser1226= (NM_001363528.2, NM_001370405.1, NM_021055.3).
Identifiers: ClinVar variation 702885 (VCV000702885.11), dbSNP rs1596400911, ClinGen allele CA493042900.